The following is an entry in ClinVar:

NM_207034.3(EDN3):c.*149C>A

Gene: EDN3 (endothelin 3; plus strand). Cytogenetic location: 20q13.32.
Variant type: single nucleotide variant.
Coding change: c.*149C>A on transcript NM_207034.3 (MANE Select); 149 bases downstream of the stop codon, C replaced by A.
Molecular consequence: 3 prime UTR variant.
Genome position (GRCh38, 1-based): chr20:59,324,608, C>A. VCF-style: chr20-59324608-C-A. GRCh37 (hg19) VCF-style: chr20-57899663-C-A.
Other names: c.*273C>A (NM_001302455.2); c.*241C>A (NM_001302456.2, NM_207032.3); c.*149C>A (NM_207033.3).
Identifiers: ClinVar variation 895750 (VCV000895750.4), dbSNP rs565501608, ClinGen allele CA316926535.
Genomic context (GRCh38, chr20:59,324,608, plus strand): 5'-TGAATTTGCCTGGGGCAGAACACCCACCCAAAGAGTCCCCACTTAACAATACCCCCCCCC[C>A]ACGGCAAGAATGCCCAAATCCGAATGACCCCAGTTTTCCTAATGAGTAAAATGATCCCAG-3'

ClinVar aggregate classification (germline): Likely benign (1 of 4 stars; one submission).

Conditions:
Hirschsprung disease, susceptibility to, 4. Identifiers: Orphanet 388, MedGen C3150975, MONDO:0013384, OMIM 613712.

Allele frequency attached by ClinVar (database versions not stated): TOPMed 0.00020; 1000 Genomes Project 30x 0.00062; 1000 Genomes Project 0.00080.

Submission:

Illumina Laboratory Services, Illumina
Classification: Likely benign for Hirschsprung disease, susceptibility to, 4. Last evaluated: 2018-01-12. Review status: criteria provided, single submitter. Criteria: ICSL Variant Classification Criteria 13 December 2019. Collection method: clinical testing. Allele origin: germline.
Comment: This variant was observed in the ICSL laboratory as part of a predisposition screen in an ostensibly healthy population. It had not been previously curated by ICSL or reported in the Human Gene Mutation Database (HGMD: prior to June 1st, 2018), and was therefore a candidate for classification through an automated scoring system. Utilizing variant allele frequency, disease prevalence and penetrance estimates, and inheritance mode, an automated score was calculated to assess if this variant is too frequent to cause the disease. Based on the score and internal cut-off values, a variant classified as likely benign is not then subjected to further curation. The score for this variant resulted in a classification of likely benign for this disease.